The following is an entry in ClinVar:

NM_000443.4(ABCB4):c.2211+5G>A

Gene: ABCB4 (ATP binding cassette subfamily B member 4; minus strand). Cytogenetic location: 7q21.12.
Variant type: single nucleotide variant.
Coding change: c.2211+5G>A on transcript NM_000443.4 (MANE Select); 5 bases into the intron after coding-DNA position 2211, G replaced by A.
Molecular consequence: intron variant.
Genome position (GRCh38, 1-based): chr7:87,423,901, C>T on the plus strand (G>A on the coding strand, the complement: ABCB4 is on the minus strand). VCF-style: chr7-87423901-C-T. GRCh37 (hg19) VCF-style: chr7-87053217-C-T.
Other names: c.2211+5G>A (NM_018850.3, NM_018849.3, NM_000443.3).
Identifiers: ClinVar variation 288451 (VCV000288451.6), dbSNP rs773539504, ClinGen allele CA4327099.
Genomic context (GRCh38, chr7:87,423,901, plus strand): 5'-TTGGGAGAAGCAGCAGCTGATGAATTGATCTAATTCAGGCTGTTATGTGGTGTTTGCAAA[C>T]TTACCGCTATGATCTCTGAGAATATGACTGAAAATGCCGGCTGAAGCCCCCCATTGGCAA-3'

ClinVar aggregate classification (germline): Uncertain significance. Review status: criteria provided, single submitter (1 of 4 stars). 2 submissions from 2 submitters: Uncertain significance (1). 1 of the submissions does not count toward it. Last evaluated 2017-07-05.

Conditions:
ABCB4-related disorder. Also called: ABCB4-related disorders; ABCB4-related condition.

Allele frequency attached by ClinVar (database versions not stated): gnomAD 0.00001; gnomAD exomes 0.00001 and below 0.00001; ExAC 0.00001.
gnomAD v4.1: 9 of 1,613,920 alleles (0.00056%); highest among the groups gnomAD compares: Non-Finnish European, 0.000085%; no homozygotes.

Submissions (2):

Eurofins Ntd Llc (ga)
Classification: Uncertain significance. Last evaluated: 2017-07-05. Review status: criteria provided, single submitter. Criteria: EGL Classification Definitions 2015. Collection method: clinical testing. Allele origin: germline. Observed: 2 variant alleles, 1 heterozygote, 1 homozygote.

PreventionGenetics, part of Exact Sciences
Classification: Uncertain significance for ABCB4-related condition. Last evaluated: 2024-06-28. Review status: no assertion criteria provided. Collection method: clinical testing. Allele origin: germline. Not counted in ClinVar's aggregate classification.
Comment: The ABCB4 c.2211+5G>A variant is predicted to interfere with splicing. To our knowledge, this variant has not been reported in the literature. This variant is reported in 0.012% of alleles in individuals of European (Finnish) descent in gnomAD. At this time, the clinical significance of this variant is uncertain due to the absence of conclusive functional and genetic evidence.